The following is an entry in ClinVar:

ClinVar aggregate classification (germline): Uncertain significance. Review status: criteria provided, multiple submitters, no conflicts (2 of 4 stars). 3 submissions from 3 submitters: Uncertain significance (3). Last evaluated 2026-05-06.

Conditions:
TSPEAR-related disorder. Also called: TSPEAR-related condition.
Inborn genetic diseases. Identifiers: MedGen C0950123, MeSH D030342.

Allele frequency attached by ClinVar (database versions not stated): ExAC 0.00009.
gnomAD v4.1: 40 of 1,572,396 alleles (0.0025%); highest among the groups gnomAD compares: African/African-American, 0.011%; no homozygotes.

Submissions (3):

PreventionGenetics, part of Exact Sciences
Classification: Uncertain significance for TSPEAR-related condition. Last evaluated: 2026-05-06. Review status: criteria provided, single submitter. Criteria: ACMG Guidelines, 2015. Collection method: clinical testing. Allele origin: germline.
Comment: The TSPEAR c.1993C>T variant is predicted to result in the amino acid substitution p.Arg665Trp. To our knowledge, this variant has not been reported in the literature. This variant is reported in 0.0040% of alleles in individuals of European (Non-Finnish) descent in gnomAD. At this time, the clinical significance of this variant is uncertain due to the absence of conclusive functional and genetic evidence.

Ambry Genetics
Classification: Uncertain significance for Inborn genetic diseases. Last evaluated: 2025-08-31. Review status: criteria provided, single submitter. Criteria: Ambry Variant Classification Scheme 2023. Collection method: clinical testing. Allele origin: germline.

Labcorp Genetics (formerly Invitae), Labcorp
Classification: Uncertain significance. Last evaluated: 2023-09-06. Review status: criteria provided, single submitter. Criteria: Invitae Variant Classification Sherloc (09022015). Collection method: clinical testing. Allele origin: germline.
Comment: This sequence change replaces arginine, which is basic and polar, with tryptophan, which is neutral and slightly polar, at codon 665 of the TSPEAR protein (p.Arg665Trp). The frequency data for this variant in the population databases is considered unreliable, as metrics indicate poor data quality at this position in the gnomAD database. This variant has not been reported in the literature in individuals affected with TSPEAR-related conditions. ClinVar contains an entry for this variant (Variation ID: 1433859). Advanced modeling of protein sequence and biophysical properties (such as structural, functional, and spatial information, amino acid conservation, physicochemical variation, residue mobility, and thermodynamic stability) performed at Invitae indicates that this missense variant is not expected to disrupt TSPEAR protein function. In summary, the available evidence is currently insufficient to determine the role of this variant in disease. Therefore, it has been classified as a Variant of Uncertain Significance.

NM_144991.3(TSPEAR):c.1993C>T (p.Arg665Trp)

Gene: TSPEAR (thrombospondin type laminin G domain and EAR repeats; minus strand). Cytogenetic location: 21q22.3.
Variant type: single nucleotide variant.
Coding change: c.1993C>T on transcript NM_144991.3 (MANE Select); coding-DNA position 1993, C replaced by T.
Protein change: p.Arg665Trp; replaces arginine 665 with tryptophan.
Molecular consequence: missense variant.
Genome position (GRCh38, 1-based): chr21:44,499,800, G>A on the plus strand (C>T on the coding strand, the complement: TSPEAR is on the minus strand). VCF-style: chr21-44499800-G-A. GRCh37 (hg19) VCF-style: chr21-45919683-G-A.
Other names: c.1789C>T, p.Arg597Trp (NM_001272037.2); c.1993C>T (NM_144991.2); short protein forms R597W, R665W.
Identifiers: ClinVar variation 1433859 (VCV001433859.8), dbSNP rs782453883, ClinGen allele CA10056233.